The following is an entry in ClinVar:

ClinVar aggregate classification (germline): Conflicting classifications of pathogenicity. Review status: criteria provided, conflicting classifications (1 of 4 stars). 4 submissions from 4 submitters: Uncertain significance (1); Likely benign (3). Last evaluated 2025-08-29.

Conditions:
Hereditary cancer-predisposing syndrome. Also called: Neoplastic Syndromes, Hereditary; Hereditary neoplastic syndrome; Hereditary Cancer Syndrome; Tumor predisposition. Identifiers: Orphanet 140162, MedGen C0027672, MeSH D009386, MONDO:0015356.
POLD1-related polyposis and colorectal cancer syndrome (CRCS10). Also called: Colorectal cancer, susceptibility to, 10; Colorectal cancer 10; COLORECTAL CANCER, SUSCEPTIBILITY TO, ON CHROMOSOME 19q. Identifiers: Orphanet 220460, MedGen C2675481, MONDO:0012953, OMIM 612591.

Allele frequency attached by ClinVar (database versions not stated): TOPMed 0.00001; gnomAD exomes 0.00002 and 0.00003.
gnomAD v4.1: 25 of 1,551,556 alleles (0.0016%); highest among the groups gnomAD compares: African/African-American, 0.0027%; no homozygotes.

Submissions (4):

Labcorp Genetics (formerly Invitae), Labcorp
Classification: Likely benign for POLD1-related polyposis and colorectal cancer syndrome. Last evaluated: 2025-08-29. Review status: criteria provided, single submitter. Criteria: Invitae Variant Classification Sherloc (09022015). Collection method: clinical testing. Allele origin: germline.

Ambry Genetics
Classification: Uncertain significance for Hereditary cancer-predisposing syndrome. Last evaluated: 2025-03-23. Review status: criteria provided, single submitter. Criteria: Ambry Variant Classification Scheme 2023. Collection method: clinical testing. Allele origin: germline.
Comment: The c.2953+4C>T intronic variant results from a C to T substitution 4 nucleotides after coding exon 22 in the POLD1 gene. This nucleotide position is not well conserved in available vertebrate species. In silico splice site analysis predicts that this alteration will not have any significant effect on splicing. Based on the available evidence, the clinical significance of this variant remains unclear.

Blueprint Genetics
Classification: Likely benign. Last evaluated: 2024-09-20. Review status: criteria provided, single submitter. Criteria: ACMG Guidelines, 2015. Collection method: clinical testing. Allele origin: germline.

GeneDx
Classification: Likely benign. Last evaluated: 2017-05-31. Review status: criteria provided, single submitter. Criteria: GeneDx Variant Classification (06012015). Collection method: clinical testing. Allele origin: germline. Affected: yes.
Comment: This variant is considered likely benign or benign based on one or more of the following criteria: it is a conservative change, it occurs at a poorly conserved position in the protein, it is predicted to be benign by multiple in silico algorithms, and/or has population frequency not consistent with disease.

NM_002691.4(POLD1):c.2953+4C>T

Gene: POLD1 (DNA polymerase delta 1, catalytic subunit; plus strand). Cytogenetic location: 19q13.33.
Variant type: single nucleotide variant.
Coding change: c.2953+4C>T on transcript NM_002691.4 (MANE Select); 4 bases into the intron after coding-DNA position 2953, C replaced by T.
Molecular consequence: intron variant.
Genome position (GRCh38, 1-based): chr19:50,416,532, C>T. VCF-style: chr19-50416532-C-T. GRCh37 (hg19) VCF-style: chr19-50919789-C-T.
Other names: c.3031+4C>T (LRG_785t2, NM_001308632.1); c.2953+4C>T (LRG_785t1, NM_001256849.1).
Identifiers: ClinVar variation 381766 (VCV000381766.16), dbSNP rs1057521166, ClinGen allele CA16607936.